The following is an entry in ClinVar:

ClinVar aggregate classification (germline): Likely pathogenic (1 of 4 stars; one submission).

Submission:

CeGaT Center for Human Genetics Tuebingen
Classification: Likely pathogenic. Last evaluated: 2023-04-01. Review status: criteria provided, single submitter. Criteria: CeGaT Center For Human Genetics Tuebingen Variant Classification Criteria Version 2. Collection method: clinical testing. Allele origin: germline. Affected: yes. Observed: 1 variant allele.
Comment: MYH7: PM1, PM2, PM4, PS2:Moderate, PS4:Supporting

NM_000257.4(MYH7):c.461TCT[1] (p.Phe155del)

Gene: MYH7 (myosin heavy chain 7; minus strand). Cytogenetic location: 14q11.2.
Variant type: Microsatellite.
Coding change: c.461TCT[1] on transcript NM_000257.4 (MANE Select); one copy of the 3-base unit TCT starting at c.461; the reference has two copies in a row; one copy, 3 bases deleted.
Protein change: p.Phe155del; deletes phenylalanine 155.
Molecular consequence: inframe deletion.
Genome position (GRCh38, 1-based): chr14:23,432,675-23,432,677, AGA deleted on the plus strand (TCT on the coding strand, the reverse complement: MYH7 is on the minus strand); deleting any 3 consecutive bases within chr14:23,432,675-23,432,680 gives the same sequence; the position shown is the placement nearest the transcript's 3' end. VCF-style (leftmost placement, unchanged base first): chr14-23432674-GAGA-G. GRCh37 (hg19) VCF-style: chr14-23901883-GAGA-G.
Other names: c.461TCT[1], p.Phe155del (NM_001407004.1); short protein forms F155del.
Identifiers: ClinVar variation 2570875 (VCV002570875.27), dbSNP rs2502317692, ClinGen allele CA2580616568.
Genomic context (GRCh38, chr14:23,432,674, plus strand): 5'-GGAAGACCCTTCCAGGGCCTCTCACCTGTCAGCATGTACTGATAGGCGTTGTCGGAGATG[GAGA>G]AGATGTGGGGCGGGGCCTCGCTCCTCTTCTTGCCCCGGTAGGCAGCCACCACCTCAGGAG-3'